The following is an entry in ClinVar:

NM_000489.6(ATRX):c.3153T>G (p.Asp1051Glu)

Gene: ATRX (ATRX chromatin remodeler; minus strand). Cytogenetic location: Xq21.1.
Variant type: single nucleotide variant.
Coding change: c.3153T>G on transcript NM_000489.6 (MANE Select); coding-DNA position 3153, T replaced by G.
Protein change: p.Asp1051Glu; replaces aspartic acid 1051 with glutamic acid.
Molecular consequence: missense variant.
Genome position (GRCh38, 1-based): chrX:77,682,103, A>C on the plus strand (T>G on the coding strand, the complement: ATRX is on the minus strand). VCF-style: chrX-77682103-A-C. GRCh37 (hg19) VCF-style: chrX-76937595-A-C.
Other names: c.3039T>G, p.Asp1013Glu (NM_138270.5); short protein forms D1013E, D1051E.
Identifiers: ClinVar variation 1005947 (VCV001005947.11), dbSNP rs1453641319, ClinGen allele CA413707596.

ClinVar aggregate classification (germline): Likely benign. Review status: criteria provided, multiple submitters, no conflicts (2 of 4 stars). 2 submissions from 2 submitters: Likely benign (2). Last evaluated 2024-11-24.

Conditions:
Alpha thalassemia-X-linked intellectual disability syndrome (ATRX). Also called: ALPHA-THALASSEMIA/MENTAL RETARDATION SYNDROME, X-LINKED; ATR, NONDELETION TYPE; ATR-X syndrome; Alpha thalassemia mental retardation syndrome, nondeletion type, X-linked; XLMR hypotonic face syndrome; X-linked alpha-thalassemia-mental retardation syndrome. Identifiers: Orphanet 847, MedGen C1845055, MONDO:0010519, OMIM 301040.

Allele frequency attached by ClinVar (database versions not stated): gnomAD exomes below 0.00001 and 0.00001; gnomAD 0.00001; TOPMed 0.00002.
gnomAD v4.1: 6 of 1,207,477 alleles (0.0005%); highest among the groups gnomAD compares: Non-Finnish European, 0.00067%; no homozygotes.

Submissions (2):

Labcorp Genetics (formerly Invitae), Labcorp
Classification: Likely benign for Alpha thalassemia-X-linked intellectual disability syndrome. Last evaluated: 2024-11-24. Review status: criteria provided, single submitter. Criteria: Invitae Variant Classification Sherloc (09022015). Collection method: clinical testing. Allele origin: germline.

GeneDx
Classification: Likely benign. Last evaluated: 2020-10-23. Review status: criteria provided, single submitter. Criteria: GeneDx Variant Classification Process June 2021. Collection method: clinical testing. Allele origin: germline. Affected: yes.
Comment: In silico analysis supports that this missense variant does not alter protein structure/function; Not observed at a significant frequency in large population cohorts (Lek et al., 2016); This variant is associated with the following publications: (PMID: 25257301)